The following is an entry in ClinVar:

NM_015425.6(POLR1A):c.537A>C (p.Ala179=)

Gene: POLR1A (RNA polymerase I subunit A; minus strand). Cytogenetic location: 2p11.2.
Variant type: single nucleotide variant.
Coding change: c.537A>C on transcript NM_015425.6 (MANE Select); coding-DNA position 537, A replaced by C.
Protein change: p.Ala179=; no amino-acid change (alanine 179 retained).
Molecular consequence: synonymous variant.
Genome position (GRCh38, 1-based): chr2:86,089,825, T>G on the plus strand (A>C on the coding strand, the complement: POLR1A is on the minus strand). VCF-style: chr2-86089825-T-G. GRCh37 (hg19) VCF-style: chr2-86316948-T-G.
Identifiers: ClinVar variation 774832 (VCV000774832.35), dbSNP rs114299317, ClinGen allele CA1746641.

ClinVar aggregate classification (germline): Benign/Likely benign. Review status: criteria provided, multiple submitters, no conflicts (2 of 4 stars). 4 submissions from 4 submitters: Benign (2); Likely benign (2). Last evaluated 2026-09-01.

Allele frequency attached by ClinVar (database versions not stated): 1000 Genomes Project 0.00160; 1000 Genomes Project 30x 0.00172; gnomAD exomes 0.00267 and 0.00459; ExAC 0.00268; gnomAD 0.00293 and 0.00295; TOPMed 0.00300; ESP Exome Variant Server 0.00396.
gnomAD v4.1: 7,058 of 1,579,940 alleles (0.45%); highest among the groups gnomAD compares: Non-Finnish European, 0.54%; 20 homozygotes.

Submissions (4):

CeGaT Center for Human Genetics Tuebingen
Classification: Likely benign. Last evaluated: 2026-09-01. Review status: criteria provided, single submitter. Criteria: CeGaT Center For Human Genetics Tuebingen Variant Classification Criteria Version 2. Collection method: clinical testing. Allele origin: germline. Affected: yes. Observed: 8 variant alleles.
Comment: POLR1A: BP4, BP7, BS2

Labcorp Genetics (formerly Invitae), Labcorp
Classification: Benign. Last evaluated: 2026-02-01. Review status: criteria provided, single submitter. Criteria: Invitae Variant Classification Sherloc (09022015). Collection method: clinical testing. Allele origin: germline.

Blueprint Genetics
Classification: Likely benign. Last evaluated: 2024-11-21. Review status: criteria provided, single submitter. Criteria: ACMG Guidelines, 2015. Collection method: clinical testing. Allele origin: germline.

Breakthrough Genomics
Classification: Benign. Review status: criteria provided, single submitter. Criteria: ACMG Guidelines, 2015. Collection method: not provided. Allele origin: germline. Inheritance: Autosomal dominant inheritance. Affected: yes.